The following is an entry in ClinVar:

NM_001330588.2(TPP2):c.2873+1G>A

Gene: TPP2 (tripeptidyl peptidase 2; plus strand). Cytogenetic location: 13q33.1.
Variant type: single nucleotide variant.
Coding change: c.2873+1G>A on transcript NM_001330588.2 (MANE Select); the canonical splice donor site of the intron after coding-DNA position 2873, G replaced by A.
Molecular consequence: splice donor variant.
Genome position (GRCh38, 1-based): chr13:102,649,152, G>A. VCF-style: chr13-102649152-G-A. GRCh37 (hg19) VCF-style: chr13-103301502-G-A.
Other names: c.2873+1G>A (NM_001367947.1, NM_003291.4).
Identifiers: ClinVar variation 1476641 (VCV001476641.8), dbSNP rs2139547046, ClinGen allele CA388502572.

ClinVar aggregate classification (germline): Likely pathogenic (1 of 4 stars; one submission).

Conditions:
Evans syndrome, immunodeficiency, and premature immunosenescence associated with tripeptidyl-peptidase II deficiency. Identifiers: MedGen CN231723. Disease mechanism: loss of function.

Submission:

Labcorp Genetics (formerly Invitae), Labcorp
Classification: Likely pathogenic for Evans syndrome, immunodeficiency, and premature immunosenescence associated with tripeptidyl-peptidase II deficiency. Last evaluated: 2021-05-04. Review status: criteria provided, single submitter. Criteria: Invitae Variant Classification Sherloc (09022015). Collection method: clinical testing. Allele origin: germline.
Comment: This sequence change affects a donor splice site in intron 22 of the TPP2 gene. It is expected to disrupt RNA splicing. Variants that disrupt the donor or acceptor splice site typically lead to a loss of protein function (PMID: 16199547), and loss-of-function variants in TPP2 are known to be pathogenic (PMID: 25414442). This variant is not present in population databases (ExAC no frequency). This variant has not been reported in the literature in individuals with TPP2-related conditions. Algorithms developed to predict the effect of sequence changes on RNA splicing suggest that this variant may disrupt the consensus splice site, but this prediction has not been confirmed by published transcriptional studies. In summary, the currently available evidence indicates that the variant is pathogenic, but additional data are needed to prove that conclusively. Therefore, this variant has been classified as Likely Pathogenic.

Literature cited by the submitters: PubMed 16199547; PubMed 25414442.